The following is an entry in ClinVar:

NM_006231.4(POLE):c.6682_6684del (p.Lys2228del)

Gene: POLE (DNA polymerase epsilon, catalytic subunit; minus strand). Cytogenetic location: 12q24.33.
Variant type: Deletion.
Coding change: c.6682_6684del on transcript NM_006231.4 (MANE Select); coding-DNA positions 6682 to 6684, 3 bases deleted (AAG; older notation c.6682_6684delAAG).
Protein change: p.Lys2228del; deletes lysine 2228.
Molecular consequence: inframe deletion.
Genome position (GRCh38, 1-based): chr12:132,624,968-132,624,970, CTT deleted on the plus strand (AAG on the coding strand, the reverse complement: POLE is on the minus strand); deleting any 3 consecutive bases within chr12:132,624,968-132,624,971 gives the same sequence; the c. name uses the placement nearest the transcript's 3' end. VCF-style (leftmost placement, unchanged base first): chr12-132624967-CCTT-C. GRCh37 (hg19) VCF-style: chr12-133201553-CCTT-C.
Other names: c.6682_6684delAAG (NM_006231.3); c.6682_6684del (NM_006231.2).
Identifiers: ClinVar variation 240613 (VCV000240613.27), dbSNP rs878854896, ClinGen allele CA10582965.

ClinVar aggregate classification (germline): Uncertain significance. Review status: criteria provided, multiple submitters, no conflicts (2 of 4 stars). 7 submissions from 7 submitters: Uncertain significance (4). 3 of the submissions do not count toward it. Last evaluated 2026-01-25.

Conditions:
Colorectal cancer, susceptibility to, 12 (CRCS12). Also called: COLORECTAL CANCER, SUSCEPTIBILITY TO, ON CHROMOSOME 12q24. Identifiers: Orphanet 220460, MedGen C3554460, MONDO:0014038, OMIM 615083.
POLE-related disorder. Also called: POLE-related disorders; POLE-related condition.
Hereditary cancer-predisposing syndrome. Also called: Tumor predisposition; Neoplastic Syndromes, Hereditary; Hereditary Cancer Syndrome; Hereditary neoplastic syndrome. Identifiers: Orphanet 140162, MedGen C0027672, MeSH D009386, MONDO:0015356.

Submissions (7):

Labcorp Genetics (formerly Invitae), Labcorp
Classification: Uncertain significance. Last evaluated: 2026-01-25. Review status: criteria provided, single submitter. Criteria: Invitae Variant Classification Sherloc (09022015). Collection method: clinical testing. Allele origin: germline.
Comment: This variant, c.6682_6684del, results in the deletion of 1 amino acid(s) of the POLE protein (p.Lys2228del), but otherwise preserves the integrity of the reading frame. This variant is not present in population databases (gnomAD no frequency). This variant has not been reported in the literature in individuals affected with POLE-related conditions. ClinVar contains an entry for this variant (Variation ID: 240613). Experimental studies and prediction algorithms are not available or were not evaluated, and the functional significance of this variant is currently unknown. In summary, the available evidence is currently insufficient to determine the role of this variant in disease. Therefore, it has been classified as a Variant of Uncertain Significance.

GeneDx
Classification: Uncertain significance. Last evaluated: 2025-02-21. Review status: criteria provided, single submitter. Criteria: GeneDx Variant Classification Process June 2021. Collection method: clinical testing. Allele origin: germline. Affected: yes.
Comment: Observed in an individual with endometrial cancer (PMID: 31837202); In-frame deletion of 1 amino acid in a non-repeat region; Not observed at significant frequency in large population cohorts (gnomAD); In silico analysis supports a deleterious effect on protein structure/function; This variant is associated with the following publications: (PMID: 30640733, 29056344, 19296856, 31837202)

Ambry Genetics
Classification: Uncertain significance for Hereditary cancer-predisposing syndrome. Last evaluated: 2024-12-17. Review status: criteria provided, single submitter. Criteria: Ambry Variant Classification Scheme 2023. Collection method: clinical testing. Allele origin: germline.
Comment: The c.6682_6684delAAG variant (also known as p.K2228del) is located in coding exon 48 of the POLE gene. This variant results from an in-frame AAG deletion at nucleotide positions 6682 to 6684. This results in the in-frame deletion of a lysine at codon 2228. This amino acid position is highly conserved in available vertebrate species. In addition, this alteration is predicted to be deleterious by in silico analysis (Choi Y et al. PLoS ONE. 2012; 7(10):e46688). Based on the available evidence, the clinical significance of this variant remains unclear.

Quest Diagnostics Nichols Institute San Juan Capistrano
Classification: Uncertain significance. Last evaluated: 2019-12-13. Review status: criteria provided, single submitter. Criteria: Quest Diagnostics criteria. Collection method: clinical testing. Allele origin: unknown.

PreventionGenetics, part of Exact Sciences
Classification: Uncertain significance for POLE-related condition. Last evaluated: 2024-01-13. Review status: no assertion criteria provided. Collection method: clinical testing. Allele origin: germline. Not counted in ClinVar's aggregate classification.
Comment: The POLE c.6682_6684delAAG variant is predicted to result in an in-frame deletion (p.Lys2228del). This variant has been reported in an individual with endometrial cancer (Lin et al. 2019. PubMed ID: 31837202). However, this individual also harbored a pathogenic variant in the SMAD4 gene. This variant has not been reported in a large population database. In ClinVar, this variant is interpreted as uncertain significance. At this time, the clinical significance of this variant is uncertain due to the absence of conclusive functional and genetic evidence.

True Health Diagnostics
Classification: Uncertain significance for Hereditary cancer-predisposing syndrome. Last evaluated: 2018-11-09. Review status: no assertion criteria provided. Collection method: clinical testing. Allele origin: germline. Not counted in ClinVar's aggregate classification.

Counsyl
Classification: Uncertain significance for Colorectal cancer, susceptibility to, 12. Last evaluated: 2016-08-10. Review status: no assertion criteria provided. Collection method: clinical testing. Allele origin: unknown. Not counted in ClinVar's aggregate classification.

Literature cited by the submitters: PubMed 30640733 (cited by Quest Diagnostics Nichols Institute San Juan Capistrano).